The following is an entry in ClinVar:

ClinVar aggregate classification (germline): Uncertain significance. Review status: criteria provided, multiple submitters, no conflicts (2 of 4 stars). 2 submissions from 2 submitters: Uncertain significance (2). Last evaluated 2025-08-22.

Conditions:
Inborn genetic diseases. Identifiers: MedGen C0950123, MeSH D030342.

Allele frequency attached by ClinVar (database versions not stated): gnomAD 0.00001; TOPMed 0.00001; ExAC 0.00002; gnomAD exomes 0.00002; ESP Exome Variant Server 0.00008.
gnomAD v4.1: 32 of 1,613,874 alleles (0.002%); highest among the groups gnomAD compares: Non-Finnish European, 0.0027%; no homozygotes.

Submissions (2):

Ambry Genetics
Classification: Uncertain significance for Inborn genetic diseases. Last evaluated: 2025-08-22. Review status: criteria provided, single submitter. Criteria: Ambry Variant Classification Scheme 2023. Collection method: clinical testing. Allele origin: germline.

Labcorp Genetics (formerly Invitae), Labcorp
Classification: Uncertain significance. Last evaluated: 2022-03-10. Review status: criteria provided, single submitter. Criteria: Invitae Variant Classification Sherloc (09022015). Collection method: clinical testing. Allele origin: germline.
Comment: Algorithms developed to predict the effect of missense changes on protein structure and function are either unavailable or do not agree on the potential impact of this missense change (SIFT: "Not Available"; PolyPhen-2: "Probably Damaging"; Align-GVGD: "Not Available"). In summary, the available evidence is currently insufficient to determine the role of this variant in disease. Therefore, it has been classified as a Variant of Uncertain Significance. This variant has not been reported in the literature in individuals affected with VPS13D-related conditions. This variant is present in population databases (rs370969317, gnomAD 0.006%). This sequence change replaces proline, which is neutral and non-polar, with leucine, which is neutral and non-polar, at codon 2770 of the VPS13D protein (p.Pro2770Leu).

NM_015378.4(VPS13D):c.8309C>T (p.Pro2770Leu)

Gene: VPS13D (vacuolar protein sorting 13 homolog D; plus strand). Cytogenetic location: 1p36.22.
Variant type: single nucleotide variant.
Coding change: c.8309C>T on transcript NM_015378.4 (MANE Select); coding-DNA position 8309, C replaced by T.
Protein change: p.Pro2770Leu; replaces proline 2770 with leucine.
Molecular consequence: missense variant.
Genome position (GRCh38, 1-based): chr1:12,333,247, C>T. VCF-style: chr1-12333247-C-T. GRCh37 (hg19) VCF-style: chr1-12393304-C-T.
Other names: c.8309C>T (NM_015378.2); c.8309C>T, p.Pro2770Leu (NM_018156.4); short protein forms P2770L.
Identifiers: ClinVar variation 1989030 (VCV001989030.7), dbSNP rs370969317, ClinGen allele CA603087.